The following is an entry in ClinVar:

NM_015443.4(KANSL1):c.112G>C (p.Gly38Arg)

Gene: KANSL1 (KAT8 regulatory NSL complex subunit 1). Cytogenetic location: 17q21.31.
Variant type: single nucleotide variant.
Coding change: c.112G>C on transcript NM_015443.4 (MANE Select); coding-DNA position 112, G replaced by C.
Protein change: p.Gly38Arg; replaces glycine 38 with arginine.
Molecular consequence: missense variant. On other transcripts: intron variant (4).
Genome position (GRCh38, 1-based): chr17:46,172,032, C>G on the plus strand (G>C on the coding strand, the complement: KANSL1 is on the minus strand). VCF-style: chr17-46172032-C-G. GRCh37 (hg19) VCF-style: chr17-44249398-C-G.
Other names: p.Gly38Arg; c.112G>C, p.Gly38Arg (NM_001193465.2, NM_001193466.2, NM_001379198.1 and 18 more transcripts); c.23+51639G>C (NM_001405885.1, NM_001405884.1, NM_001405883.1 and 1 more transcripts); short protein forms G38R.
Identifiers: ClinVar variation 4542185 (VCV004542185.1).

ClinVar aggregate classification (germline): Uncertain significance (1 of 4 stars; one submission).

Submission:

Mayo Clinic Laboratories, Mayo Clinic
Classification: Uncertain significance. Last evaluated: 2025-04-04. Review status: criteria provided, single submitter. Criteria: ACMG Guidelines, 2015. Collection method: clinical testing. Allele origin: germline. Observed: 1 variant allele.
Comment: BP4, PM2_supporting